The following is an entry in ClinVar:

NM_020911.2(PLXNA4):c.1371+4349C>T

Gene: PLXNA4 (plexin A4; minus strand). Cytogenetic location: 7q32.3.
Variant type: single nucleotide variant.
Coding change: c.1371+4349C>T on transcript NM_020911.2 (MANE Select); 4349 bases into the intron after coding-DNA position 1371, C replaced by T.
Molecular consequence: intron variant. On other transcripts: missense variant (1).
Genome position (GRCh38, 1-based): chr7:132,484,943, G>A on the plus strand (C>T on the coding strand, the complement: PLXNA4 is on the minus strand). VCF-style: chr7-132484943-G-A. GRCh37 (hg19) VCF-style: chr7-132169702-G-A.
Other names: c.1442C>T, p.Ala481Val (NM_181775.4); c.1371+4349C>T (NM_001393897.1, NM_001105543.2); short protein forms A481V.
Identifiers: ClinVar variation 4990321 (VCV004990321.1).

ClinVar aggregate classification (germline): Uncertain significance (1 of 4 stars; one submission).

Conditions:
PLXNA4-related disorder. Also called: PLXNA4-related condition.

gnomAD v4.1: 19 of 1,613,982 alleles (0.0012%); highest among the groups gnomAD compares: Middle Eastern, 0.016%; no homozygotes.

Submission:

PreventionGenetics, part of Exact Sciences
Classification: Uncertain significance for PLXNA4-related condition. Last evaluated: 2025-09-30. Review status: criteria provided, single submitter. Criteria: ACMG Guidelines, 2015. Collection method: clinical testing. Allele origin: germline.
Comment: The PLXNA4 c.1442C>T variant is predicted to result in the amino acid substitution p.Ala481Val. Of note, this variant is also referred to as c.1371+4349C>T (intronic) with alternate isoform NM_020911. To our knowledge, this variant has not been reported in the literature. This variant is reported in 0.0080% of alleles in individuals of African descent in gnomAD. At this time, the clinical significance of this variant is uncertain due to the absence of conclusive functional and genetic evidence.